The following is an entry in ClinVar:

ClinVar aggregate classification (germline): Likely benign (0 of 4 stars; one submission).

Conditions:
SLC9A9-related disorder. Also called: SLC9A9-related condition.

Allele frequency attached by ClinVar (database versions not stated): gnomAD exomes below 0.00001; ExAC 0.00002; gnomAD 0.00006; ESP Exome Variant Server 0.00008; TOPMed 0.00010; 1000 Genomes Project 0.00040; 1000 Genomes Project 30x 0.00047.
gnomAD v4.1: 14 of 1,613,044 alleles (0.00087%); highest among the groups gnomAD compares: African/African-American, 0.0093%; no homozygotes.

Submission:

PreventionGenetics, part of Exact Sciences
Classification: Likely benign for SLC9A9-related condition. Last evaluated: 2019-05-31. Review status: no assertion criteria provided. Collection method: clinical testing. Allele origin: germline.
Comment: This variant is classified as likely benign based on ACMG/AMP sequence variant interpretation guidelines (Richards et al. 2015 PMID: 25741868, with internal and published modifications).

NM_173653.4(SLC9A9):c.1575C>T (p.Leu525=)

Gene: SLC9A9 (solute carrier family 9 member A9; minus strand). Cytogenetic location: 3q24.
Variant type: single nucleotide variant.
Coding change: c.1575C>T on transcript NM_173653.4 (MANE Select); coding-DNA position 1575, C replaced by T.
Protein change: p.Leu525=; no amino-acid change (leucine 525 retained).
Molecular consequence: synonymous variant.
Genome position (GRCh38, 1-based): chr3:143,363,513, G>A on the plus strand (C>T on the coding strand, the complement: SLC9A9 is on the minus strand). VCF-style: chr3-143363513-G-A. GRCh37 (hg19) VCF-style: chr3-143082355-G-A.
Identifiers: ClinVar variation 3043665 (VCV003043665.2), dbSNP rs145513972, ClinGen allele CA2653759.
Genomic context (GRCh38, chr3:143,363,513, plus strand): 5'-GATCTGTGAGATCGTTATTATCAAAGGATACTTGTGGTCAAAGCTATACCACATTCTGAA[G>A]AGCCGAGCACTCTCTGCTTTCGTCATGTTTTTATCCAAGTTATTTGCTTCCTGGGGAGAA-3'
Protein context (NP_775924.1, residues 515-535): KNMTKAESAR[Leu525=]FRMWYSFDHK